The following is an entry in ClinVar:

ClinVar aggregate classification (germline): Likely pathogenic (1 of 4 stars; one submission).

Conditions:
Sandhoff disease. Also called: GM2-GANGLIOSIDOSIS, TYPE II; HEXOSAMINIDASES A AND B DEFICIENCY; Beta-hexosaminidase-beta-subunit deficiency; GM2 gangliosidosis, type 2; Total hexosaminidase deficiency; Sandhoff-Jatzkewitz-Pilz disease. Identifiers: Orphanet 796, MedGen C0036161, MONDO:0010006, OMIM 268800.

gnomAD v4.1: 1 of 1,614,122 alleles (0.000062%); highest among the groups gnomAD compares: South Asian, 0.0011%; no homozygotes.

Submission:

Natera, Inc.
Classification: Likely pathogenic for Sandhoff disease. Last evaluated: 2025-11-05. Review status: criteria provided, single submitter. Criteria: Natera Variant Classification Schema (03/2026). Collection method: clinical testing. Allele origin: germline.
Comment: The c.1376A>C variant in HEXB is a missense variant predicted to cause substitution of aspartic acid to alanine at amino acid 459. This variant is rare in the general population with a frequency below the threshold expected for the associated phenotype(s). This variant has been observed in one or more individuals affected with the associated recessive disease, as either homozygous or compound heterozygous with a second variant (PMID: 18930675). This variant has been identified in one or more affected individual with a phenotype highly consistent with the associated gene (PMID: 18930675). Computational prediction algorithms indicate this variant is likely to affect gene or protein function. Given the available evidence, this variant is classified as Likely Pathogenic.

Literature cited by the submitters: PubMed 18930675.

NM_000521.4(HEXB):c.1376A>C (p.Asp459Ala)

Gene: HEXB (hexosaminidase subunit beta; plus strand). Cytogenetic location: 5q13.3.
Variant type: single nucleotide variant.
Coding change: c.1376A>C on transcript NM_000521.4 (MANE Select); coding-DNA position 1376, A replaced by C.
Protein change: p.Asp459Ala; replaces aspartic acid 459 with alanine.
Molecular consequence: missense variant.
Genome position (GRCh38, 1-based): chr5:74,718,930, A>C. VCF-style: chr5-74718930-A-C. GRCh37 (hg19) VCF-style: chr5-74014755-A-C.
Other names: c.701A>C, p.Asp234Ala (NM_001292004.2); short protein forms D234A, D459A.
Identifiers: ClinVar variation 4814283 (VCV004814283.1).